The following is an entry in ClinVar:

ClinVar aggregate classification (germline): Benign/Likely benign. Review status: criteria provided, multiple submitters, no conflicts (2 of 4 stars). 3 submissions from 3 submitters: Benign (1); Likely benign (1). 1 of the submissions does not count toward it. Last evaluated 2025-10-17.

Conditions:
MYSM1-related disorder. Also called: MYSM1-related condition.

Allele frequency attached by ClinVar (database versions not stated): gnomAD exomes 0.00007 and 0.00020; ExAC 0.00027; ESP Exome Variant Server 0.00067; gnomAD 0.00074 and 0.00077; TOPMed 0.00090; 1000 Genomes Project 30x 0.00094; 1000 Genomes Project 0.00100.
gnomAD v4.1: 224 of 1,613,266 alleles (0.014%); highest among the groups gnomAD compares: African/African-American, 0.26%; no homozygotes.

Submissions (3):

Labcorp Genetics (formerly Invitae), Labcorp
Classification: Benign. Last evaluated: 2025-10-17. Review status: criteria provided, single submitter. Criteria: Invitae Variant Classification Sherloc (09022015). Collection method: clinical testing. Allele origin: germline.

Blueprint Genetics
Classification: Likely benign. Last evaluated: 2023-06-29. Review status: criteria provided, single submitter. Criteria: ACMG Guidelines, 2015. Collection method: clinical testing. Allele origin: germline.

PreventionGenetics, part of Exact Sciences
Classification: Likely benign for MYSM1-related condition. Last evaluated: 2019-05-31. Review status: no assertion criteria provided. Collection method: clinical testing. Allele origin: germline. Not counted in ClinVar's aggregate classification.
Comment: This variant is classified as likely benign based on ACMG/AMP sequence variant interpretation guidelines (Richards et al. 2015 PMID: 25741868, with internal and published modifications).

NM_001085487.3(MYSM1):c.1495-7A>G

Gene: MYSM1 (Myb like, SWIRM and MPN domains 1; minus strand). Cytogenetic location: 1p32.1.
Variant type: single nucleotide variant.
Coding change: c.1495-7A>G on transcript NM_001085487.3 (MANE Select); 7 bases into the intron before coding-DNA position 1495, A replaced by G.
Molecular consequence: intron variant.
Genome position (GRCh38, 1-based): chr1:58,673,657, T>C on the plus strand (A>G on the coding strand, the complement: MYSM1 is on the minus strand). VCF-style: chr1-58673657-T-C. GRCh37 (hg19) VCF-style: chr1-59139329-T-C.
Other names: c.1495-7A>G (NM_001085487.2).
Identifiers: ClinVar variation 1663722 (VCV001663722.11), dbSNP rs183802797, ClinGen allele CA877787.